The following is an entry in ClinVar:

NM_015650.4(TRAF3IP1):c.392G>C (p.Gly131Ala)

Gene: TRAF3IP1 (TRAF3 interacting protein 1; plus strand). Cytogenetic location: 2q37.3.
Variant type: single nucleotide variant.
Coding change: c.392G>C on transcript NM_015650.4 (MANE Select); coding-DNA position 392, G replaced by C.
Protein change: p.Gly131Ala; replaces glycine 131 with alanine.
Molecular consequence: missense variant.
Genome position (GRCh38, 1-based): chr2:238,328,723, G>C. VCF-style: chr2-238328723-G-C. GRCh37 (hg19) VCF-style: chr2-239237364-G-C.
Other names: c.392G>C, p.Gly131Ala (NM_001139490.1); short protein forms G131A.
Identifiers: ClinVar variation 1366279 (VCV001366279.8), dbSNP rs2106363291, ClinGen allele CA351243684.

ClinVar aggregate classification (germline): Uncertain significance (1 of 4 stars; one submission).

Allele frequency attached by ClinVar (database versions not stated): gnomAD exomes below 0.00001.
gnomAD v4.1: 1 of 1,613,968 alleles (0.000062%); highest among the groups gnomAD compares: Non-Finnish European, 0.000085%; no homozygotes.

Submission:

Labcorp Genetics (formerly Invitae), Labcorp
Classification: Uncertain significance. Last evaluated: 2020-11-27. Review status: criteria provided, single submitter. Criteria: Invitae Variant Classification Sherloc (09022015). Collection method: clinical testing. Allele origin: germline.
Comment: In summary, the available evidence is currently insufficient to determine the role of this variant in disease. Therefore, it has been classified as a Variant of Uncertain Significance. Algorithms developed to predict the effect of missense changes on protein structure and function are either unavailable or do not agree on the potential impact of this missense change (SIFT: "Deleterious"; PolyPhen-2: "Possibly Damaging"; Align-GVGD: "Class C0"). This variant has not been reported in the literature in individuals with TRAF3IP1-related conditions. This variant is not present in population databases (ExAC no frequency). This sequence change replaces glycine with alanine at codon 131 of the TRAF3IP1 protein (p.Gly131Ala). The glycine residue is highly conserved and there is a small physicochemical difference between glycine and alanine.